The following is an entry in ClinVar:

NM_001164665.2(KIAA1549):c.2678G>T (p.Gly893Val)

Gene: KIAA1549 (KIAA1549; minus strand). Cytogenetic location: 7q34.
Variant type: single nucleotide variant.
Coding change: c.2678G>T on transcript NM_001164665.2 (MANE Select); coding-DNA position 2678, G replaced by T.
Protein change: p.Gly893Val; replaces glycine 893 with valine.
Molecular consequence: missense variant.
Genome position (GRCh38, 1-based): chr7:138,916,948, C>A on the plus strand (G>T on the coding strand, the complement: KIAA1549 is on the minus strand). VCF-style: chr7-138916948-C-A. GRCh37 (hg19) VCF-style: chr7-138601694-C-A.
Other names: c.2678G>T, p.Gly893Val (NM_020910.3); short protein forms G893V.
Identifiers: ClinVar variation 1394539 (VCV001394539.6), dbSNP rs563358033, ClinGen allele CA4506447.

ClinVar aggregate classification (germline): Uncertain significance (1 of 4 stars; one submission).

Allele frequency attached by ClinVar (database versions not stated): gnomAD exomes below 0.00001 and 0.00001; gnomAD 0.00001; ExAC 0.00002; 1000 Genomes Project 30x 0.00016; 1000 Genomes Project 0.00020.
gnomAD v4.1: 3 of 1,606,670 alleles (0.00019%); highest among the groups gnomAD compares: South Asian, 0.0033%; no homozygotes.

Submission:

Labcorp Genetics (formerly Invitae), Labcorp
Classification: Uncertain significance. Last evaluated: 2024-02-26. Review status: criteria provided, single submitter. Criteria: Invitae Variant Classification Sherloc (09022015). Collection method: clinical testing. Allele origin: germline.
Comment: This sequence change replaces glycine, which is neutral and non-polar, with valine, which is neutral and non-polar, at codon 893 of the KIAA1549 protein (p.Gly893Val). This variant is present in population databases (rs563358033, gnomAD 0.01%). This variant has not been reported in the literature in individuals affected with KIAA1549-related conditions. ClinVar contains an entry for this variant (Variation ID: 1394539). Algorithms developed to predict the effect of missense changes on protein structure and function output the following: SIFT: "Not Available"; PolyPhen-2: "Benign"; Align-GVGD: "Not Available". The valine amino acid residue is found in multiple mammalian species, which suggests that this missense change does not adversely affect protein function. In summary, the available evidence is currently insufficient to determine the role of this variant in disease. Therefore, it has been classified as a Variant of Uncertain Significance.